The following is an entry in ClinVar:

NM_032578.4(MYPN):c.3262C>T (p.Arg1088Cys)

Gene: MYPN (myopalladin; plus strand). Cytogenetic location: 10q21.3.
Variant type: single nucleotide variant.
Coding change: c.3262C>T on transcript NM_032578.4 (MANE Select); coding-DNA position 3262, C replaced by T.
Protein change: p.Arg1088Cys; replaces arginine 1088 with cysteine.
Molecular consequence: missense variant. On other transcripts: non-coding transcript variant (2).
Genome position (GRCh38, 1-based): chr10:68,197,455, C>T. VCF-style: chr10-68197455-C-T. GRCh37 (hg19) VCF-style: chr10-69957212-C-T.
Other names: c.3262C>T (NM_032578.2); c.3262C>T, p.Arg1088Cys (NM_001256267.2); c.2380C>T, p.Arg794Cys (NM_001256268.2); short protein forms R1088C, R794C.
Identifiers: ClinVar variation 838158 (VCV000838158.14), dbSNP rs372824930, ClinGen allele CA5522996.

ClinVar aggregate classification (germline): Uncertain significance. Review status: criteria provided, multiple submitters, no conflicts (2 of 4 stars). 5 submissions from 5 submitters: Uncertain significance (5). Last evaluated 2025-05-28.

Conditions:
MYPN-related disorder. Also called: MYPN-related condition.
MYPN-related myopathy (CMYO24). Also called: Nemaline myopathy 11, autosomal recessive. Identifiers: MedGen C4479186, MONDO:0015023, OMIM 617336.
Dilated cardiomyopathy 1KK (CMD1KK). Identifiers: Orphanet 154, Orphanet 75249, MedGen C3714995, MONDO:0014100, OMIM 615248.
Cardiovascular phenotype. Identifiers: MedGen CN230736.

Allele frequency attached by ClinVar (database versions not stated): ExAC 0.00004; ESP Exome Variant Server 0.00008; TOPMed 0.00008.
gnomAD v4.1: 18 of 1,613,736 alleles (0.0011%); highest among the groups gnomAD compares: East Asian, 0.011%; no homozygotes.

Submissions (5):

PreventionGenetics, part of Exact Sciences
Classification: Uncertain significance for MYPN-related condition. Last evaluated: 2025-05-28. Review status: criteria provided, single submitter. Criteria: ACMG Guidelines, 2015. Collection method: clinical testing. Allele origin: germline.
Comment: The MYPN c.3262C>T variant is predicted to result in the amino acid substitution p.Arg1088Cys. To our knowledge, this variant has not been reported in the literature. This variant is reported in 0.045% of alleles in individuals of East Asian descent in gnomAD and is interpreted as uncertain in ClinVar. At this time, the clinical significance of this variant is uncertain due to the absence of conclusive functional and genetic evidence.

Ambry Genetics
Classification: Uncertain significance for Cardiovascular phenotype. Last evaluated: 2025-05-19. Review status: criteria provided, single submitter. Criteria: Ambry Variant Classification Scheme 2023. Collection method: clinical testing. Allele origin: germline.
Comment: The p.R1088C variant (also known as c.3262C>T), located in coding exon 15 of the MYPN gene, results from a C to T substitution at nucleotide position 3262. The arginine at codon 1088 is replaced by cysteine, an amino acid with highly dissimilar properties. This amino acid position is highly conserved in available vertebrate species. In addition, this alteration is predicted to be tolerated by in silico analysis. Based on the available evidence, the clinical significance of this variant remains unclear.

GeneDx
Classification: Uncertain significance. Last evaluated: 2025-03-03. Review status: criteria provided, single submitter. Criteria: GeneDx Variant Classification Process June 2021. Collection method: clinical testing. Allele origin: germline. Affected: yes.
Comment: In silico analysis supports that this missense variant has a deleterious effect on protein structure/function; Has not been previously published as pathogenic or benign in association with cardiomyopathy to our knowledge; This variant is associated with the following publications: (PMID: 30010129)

Labcorp Genetics (formerly Invitae), Labcorp
Classification: Uncertain significance for Dilated cardiomyopathy 1KK. Last evaluated: 2022-08-22. Review status: criteria provided, single submitter. Criteria: Invitae Variant Classification Sherloc (09022015). Collection method: clinical testing. Allele origin: germline.
Comment: This sequence change replaces arginine, which is basic and polar, with cysteine, which is neutral and slightly polar, at codon 1088 of the MYPN protein (p.Arg1088Cys). This variant is present in population databases (rs372824930, gnomAD 0.04%). This variant has not been reported in the literature in individuals affected with MYPN-related conditions. ClinVar contains an entry for this variant (Variation ID: 838158). Algorithms developed to predict the effect of missense changes on protein structure and function output the following: SIFT: "Deleterious"; PolyPhen-2: "Benign"; Align-GVGD: "Class C0". The cysteine amino acid residue is found in multiple mammalian species, which suggests that this missense change does not adversely affect protein function. In summary, the available evidence is currently insufficient to determine the role of this variant in disease. Therefore, it has been classified as a Variant of Uncertain Significance.

Fulgent Genetics
Classification: Uncertain significance for Dilated cardiomyopathy 1KK; MYPN-related myopathy. Last evaluated: 2021-07-27. Review status: criteria provided, single submitter. Criteria: ACMG Guidelines, 2015. Collection method: clinical testing. Allele origin: unknown.